The following is an entry in ClinVar:

ClinVar aggregate classification (germline): Uncertain significance (1 of 4 stars; one submission).

Allele frequency attached by ClinVar (database versions not stated): gnomAD exomes below 0.00001.
gnomAD v4.1: 1 of 1,061,240 alleles (0.000094%); highest among the groups gnomAD compares: Non-Finnish European, 0.00013%; no homozygotes.

Submission:

Labcorp Genetics (formerly Invitae), Labcorp
Classification: Uncertain significance. Last evaluated: 2024-11-13. Review status: criteria provided, single submitter. Criteria: Invitae Variant Classification Sherloc (09022015). Collection method: clinical testing. Allele origin: germline.
Comment: This sequence change replaces proline, which is neutral and non-polar, with arginine, which is basic and polar, at codon 671 of the POLA1 protein (p.Pro671Arg). This variant is not present in population databases (gnomAD no frequency). This variant has not been reported in the literature in individuals affected with POLA1-related conditions. ClinVar contains an entry for this variant (Variation ID: 2816886). Invitae Evidence Modeling of protein sequence and biophysical properties (such as structural, functional, and spatial information, amino acid conservation, physicochemical variation, residue mobility, and thermodynamic stability) indicates that this missense variant is expected to disrupt POLA1 protein function with a positive predictive value of 80%. In summary, the available evidence is currently insufficient to determine the role of this variant in disease. Therefore, it has been classified as a Variant of Uncertain Significance.

NM_001330360.2(POLA1):c.2030C>G (p.Pro677Arg)

Gene: POLA1 (DNA polymerase alpha 1, catalytic subunit; plus strand). Cytogenetic location: Xp22.11.
Variant type: single nucleotide variant.
Coding change: c.2030C>G on transcript NM_001330360.2 (MANE Select); coding-DNA position 2030, C replaced by G.
Protein change: p.Pro677Arg; replaces proline 677 with arginine.
Molecular consequence: missense variant. On other transcripts: non-coding transcript variant (1).
Genome position (GRCh38, 1-based): chrX:24,737,731, C>G. VCF-style: chrX-24737731-C-G. GRCh37 (hg19) VCF-style: chrX-24755848-C-G.
Other names: c.1955C>G, p.Pro652Arg (NM_001378303.1); c.2012C>G, p.Pro671Arg (NM_016937.4); short protein forms P677R, P652R, P671R.
Identifiers: ClinVar variation 2816886 (VCV002816886.3), dbSNP rs1931363960, ClinGen allele CA412535290.